The following is an entry in ClinVar:

NM_181486.4(TBX5):c.1442C>A (p.Thr481Asn)

Gene: TBX5 (T-box transcription factor 5; minus strand). Cytogenetic location: 12q24.21.
Variant type: single nucleotide variant.
Coding change: c.1442C>A on transcript NM_181486.4 (MANE Select); coding-DNA position 1442, C replaced by A.
Protein change: p.Thr481Asn; replaces threonine 481 with asparagine.
Molecular consequence: missense variant.
Genome position (GRCh38, 1-based): chr12:114,355,647, G>T on the plus strand (C>A on the coding strand, the complement: TBX5 is on the minus strand). VCF-style: chr12-114355647-G-T. GRCh37 (hg19) VCF-style: chr12-114793452-G-T.
Other names: c.1442C>A, p.Thr481Asn (NM_000192.3); c.1292C>A, p.Thr431Asn (NM_080717.4); short protein forms T431N, T481N.
Identifiers: ClinVar variation 3804937 (VCV003804937.2).

ClinVar aggregate classification (germline): Uncertain significance. Review status: criteria provided, multiple submitters, no conflicts (2 of 4 stars). 2 submissions from 2 submitters: Uncertain significance (2). Last evaluated 2025-08-07.

Conditions:
Aortic valve disease 2 (AOVD2). Identifiers: MedGen C3542024, MONDO:0013902, OMIM 614823.
Cardiovascular phenotype. Identifiers: MedGen CN230736.

gnomAD v4.1: 2 of 1,614,096 alleles (0.00012%); highest among the groups gnomAD compares: Admixed American, 0.0017%; no homozygotes.

Submissions (2):

Labcorp Genetics (formerly Invitae), Labcorp
Classification: Uncertain significance for Aortic valve disease 2. Last evaluated: 2025-08-07. Review status: criteria provided, single submitter. Criteria: Invitae Variant Classification Sherloc (09022015). Collection method: clinical testing. Allele origin: germline.
Comment: This sequence change replaces threonine, which is neutral and polar, with asparagine, which is neutral and polar, at codon 481 of the TBX5 protein (p.Thr481Asn). This variant is not present in population databases (gnomAD no frequency). This variant has not been reported in the literature in individuals affected with TBX5-related conditions. ClinVar contains an entry for this variant (Variation ID: 3804937). Invitae Evidence Modeling of protein sequence and biophysical properties (such as structural, functional, and spatial information, amino acid conservation, physicochemical variation, residue mobility, and thermodynamic stability) indicates that this missense variant is not expected to disrupt TBX5 protein function with a negative predictive value of 80%. In summary, the available evidence is currently insufficient to determine the role of this variant in disease. Therefore, it has been classified as a Variant of Uncertain Significance.

Ambry Genetics
Classification: Uncertain significance for Cardiovascular phenotype. Last evaluated: 2025-02-13. Review status: criteria provided, single submitter. Criteria: Ambry Variant Classification Scheme 2023. Collection method: clinical testing. Allele origin: germline.
Comment: The p.T481N variant (also known as c.1442C>A), located in coding exon 8 of the TBX5 gene, results from a C to A substitution at nucleotide position 1442. The threonine at codon 481 is replaced by asparagine, an amino acid with similar properties. This amino acid position is conserved. In addition, this alteration is predicted to be tolerated by in silico analysis. Based on the available evidence, the clinical significance of this variant remains unclear.